The following is an entry in ClinVar:

ClinVar aggregate classification (germline): Uncertain significance (1 of 4 stars; one submission).

Submission:

Labcorp Genetics (formerly Invitae), Labcorp
Classification: Uncertain significance. Last evaluated: 2025-10-03. Review status: criteria provided, single submitter. Criteria: Invitae Variant Classification Sherloc (09022015). Collection method: clinical testing. Allele origin: germline.
Comment: This sequence change falls in intron 11 of the IFT88 gene. It does not directly change the encoded amino acid sequence of the IFT88 protein. It affects a nucleotide within the consensus splice site. This variant is not present in population databases (gnomAD no frequency). This variant has not been reported in the literature in individuals affected with IFT88-related conditions. Variants that disrupt the consensus splice site are a relatively common cause of aberrant splicing (PMID: 17576681, 9536098). Algorithms developed to predict the effect of sequence changes on RNA splicing suggest that this variant may disrupt the consensus splice site. In summary, the available evidence is currently insufficient to determine the role of this variant in disease. Therefore, it has been classified as a Variant of Uncertain Significance.

Literature cited by the submitters: PubMed 17576681; PubMed 9536098.

NM_006531.5(IFT88):c.594+5G>T

Gene: IFT88 (intraflagellar transport 88; plus strand). Cytogenetic location: 13q12.11.
Variant type: single nucleotide variant.
Coding change: c.594+5G>T on transcript NM_006531.5 (MANE Select); 5 bases into the intron after coding-DNA position 594, G replaced by T.
Molecular consequence: intron variant.
Genome position (GRCh38, 1-based): chr13:20,597,124, G>T. VCF-style: chr13-20597124-G-T. GRCh37 (hg19) VCF-style: chr13-21171263-G-T.
Other names: c.621+5G>T (NM_001318493.2, NM_175605.5, NM_001353570.2 and 6 more transcripts); c.594+5G>T (NM_001353568.2, NM_001353572.2, NM_001353571.2 and 1 more transcripts); c.-40+5G>T (NM_001353579.2); c.537+5G>T (NM_001353575.2, NM_001318491.2, NM_001353573.2 and 1 more transcripts).
Identifiers: ClinVar variation 4775683 (VCV004775683.1).